The following is an entry in ClinVar:

NM_006648.4(WNK2):c.1951G>A (p.Val651Met)

Gene: WNK2 (WNK lysine deficient protein kinase 2; plus strand). Cytogenetic location: 9q22.31.
Variant type: single nucleotide variant.
Coding change: c.1951G>A on transcript NM_006648.4 (MANE Select); coding-DNA position 1951, G replaced by A.
Protein change: p.Val651Met; replaces valine 651 with methionine.
Molecular consequence: missense variant.
Genome position (GRCh38, 1-based): chr9:93,252,999, G>A. VCF-style: chr9-93252999-G-A. GRCh37 (hg19) VCF-style: chr9-96015281-G-A.
Other names: c.1951G>A, p.Val651Met (NM_001282394.3); short protein forms V651M.
Identifiers: ClinVar variation 3816736 (VCV003816736.1).

ClinVar aggregate classification (germline): Uncertain significance (1 of 4 stars; one submission).

gnomAD v4.1: 2 of 1,564,268 alleles (0.00013%); highest among the groups gnomAD compares: South Asian, 0.0012%; no homozygotes.

Submission:

Ambry Genetics
Classification: Uncertain significance. Last evaluated: 2025-01-05. Review status: criteria provided, single submitter. Criteria: Ambry Variant Classification Scheme 2023. Collection method: clinical testing. Allele origin: germline.
Comment: The p.V651M variant (also known as c.1951G>A), located in coding exon 8 of the WNK2 gene, results from a G to A substitution at nucleotide position 1951. The valine at codon 651 is replaced by methionine, an amino acid with highly similar properties. This amino acid position is conserved. In addition, this alteration is predicted to be tolerated by in silico analysis. Based on the available evidence, the clinical significance of this variant remains unclear.